The following is an entry in ClinVar:

ClinVar aggregate classification (germline): Uncertain significance (1 of 4 stars; one submission).

Conditions:
FG syndrome (FGS). Identifiers: MedGen C0220769, MONDO:0002010.

Submission:

Labcorp Genetics (formerly Invitae), Labcorp
Classification: Uncertain significance for FG syndrome. Last evaluated: 2021-07-17. Review status: criteria provided, single submitter. Criteria: Invitae Variant Classification Sherloc (09022015). Collection method: clinical testing. Allele origin: germline.
Comment: In summary, the available evidence is currently insufficient to determine the role of this variant in disease. Therefore, it has been classified as a Variant of Uncertain Significance. Algorithms developed to predict the effect of sequence changes on RNA splicing suggest that this variant may create or strengthen a splice site. This variant has not been reported in the literature in individuals affected with MED12-related conditions. This variant is not present in population databases (ExAC no frequency). This sequence change affects codon 377 of the MED12 mRNA. It is a 'silent' change, meaning that it does not change the encoded amino acid sequence of the MED12 protein.

NM_005120.3(MED12):c.1131G>A (p.Leu377=)

Gene: MED12 (mediator complex subunit 12; plus strand). Cytogenetic location: Xq13.1.
Variant type: single nucleotide variant.
Coding change: c.1131G>A on transcript NM_005120.3 (MANE Select); coding-DNA position 1131, G replaced by A.
Protein change: p.Leu377=; no amino-acid change (leucine 377 retained).
Molecular consequence: synonymous variant.
Genome position (GRCh38, 1-based): chrX:71,122,229, G>A. VCF-style: chrX-71122229-G-A. GRCh37 (hg19) VCF-style: chrX-70342079-G-A.
Identifiers: ClinVar variation 1406174 (VCV001406174.8), dbSNP rs755897379, ClinGen allele CA516712061.